The following is an entry in ClinVar:

ClinVar aggregate classification (germline): Uncertain significance (1 of 4 stars; one submission).

Submission:

Labcorp Genetics (formerly Invitae), Labcorp
Classification: Uncertain significance. Last evaluated: 2022-03-14. Review status: criteria provided, single submitter. Criteria: Invitae Variant Classification Sherloc (09022015). Collection method: clinical testing. Allele origin: germline.
Comment: This variant has not been reported in the literature in individuals affected with COL9A2-related conditions. This variant is not present in population databases (gnomAD no frequency). This sequence change replaces glycine, which is neutral and non-polar, with aspartic acid, which is acidic and polar, at codon 553 of the COL9A2 protein (p.Gly553Asp). Advanced modeling of protein sequence and biophysical properties (such as structural, functional, and spatial information, amino acid conservation, physicochemical variation, residue mobility, and thermodynamic stability) performed at Invitae indicates that this missense variant is expected to disrupt COL9A2 protein function. In summary, the available evidence is currently insufficient to determine the role of this variant in disease. Therefore, it has been classified as a Variant of Uncertain Significance.

NM_001852.4(COL9A2):c.1658G>A (p.Gly553Asp)

Gene: COL9A2 (collagen type IX alpha 2 chain; minus strand). Cytogenetic location: 1p34.2.
Variant type: single nucleotide variant.
Coding change: c.1658G>A on transcript NM_001852.4 (MANE Select); coding-DNA position 1658, G replaced by A.
Protein change: p.Gly553Asp; replaces glycine 553 with aspartic acid.
Molecular consequence: missense variant.
Genome position (GRCh38, 1-based): chr1:40,302,755, C>T on the plus strand (G>A on the coding strand, the complement: COL9A2 is on the minus strand). VCF-style: chr1-40302755-C-T. GRCh37 (hg19) VCF-style: chr1-40768427-C-T.
Other names: short protein forms G553D.
Identifiers: ClinVar variation 2111546 (VCV002111546.4), dbSNP rs2522479238, ClinGen allele CA339876679.
Genomic context (GRCh38, chr1:40,302,755, plus strand): 5'-TGGGGGCCCTGCTTGCCTGGGTACCCAGGGGGCCCAGGAGGTCCTGGAGGACCCATCATG[C>T]CCACCGCACCCAGGGCTTCCCGCTTGGCACTCACGGCGACCTCTGCCAGTTGCTCTGGAG-3'
Protein context (NP_001843.1, residues 543-563): SAKREALGAV[Gly553Asp]MMGPPGPPGP